The following is an entry in ClinVar:

NM_138694.4(PKHD1):c.1867A>T (p.Lys623Ter)

Gene: PKHD1 (PKHD1 ciliary IPT domain containing fibrocystin/polyductin; minus strand). Cytogenetic location: 6p12.2.
Variant type: single nucleotide variant.
Coding change: c.1867A>T on transcript NM_138694.4 (MANE Select); coding-DNA position 1867, A replaced by T.
Protein change: p.Lys623Ter; replaces lysine 623 with a stop codon.
Molecular consequence: nonsense.
Genome position (GRCh38, 1-based): chr6:52,054,135, T>A on the plus strand (A>T on the coding strand, the complement: PKHD1 is on the minus strand). VCF-style: chr6-52054135-T-A. GRCh37 (hg19) VCF-style: chr6-51918933-T-A.
Other names: c.1867A>T, p.Lys623Ter (NM_170724.3); short protein forms K623*.
Identifiers: ClinVar variation 1723952 (VCV001723952.2), dbSNP rs375491089, ClinGen allele CA364423140.
Genomic context (GRCh38, chr6:52,054,135, plus strand): 5'-TGGTATTCTTTACCATGTTTTGAAAGCCGATTGTGAAGGACACAATCATCTTCAGGATCT[T>A]GTTCATGTGGCCTTTGTATGCAAGACACAGCTATGGACACCAAATAAGTCCTTCAGTTCT-3'

ClinVar aggregate classification (germline): Likely pathogenic (1 of 4 stars; one submission).

Conditions:
Polycystic kidney disease 4 (PKD4). Also called: POLYCYSTIC KIDNEY AND HEPATIC DISEASE 1; POLYCYSTIC KIDNEY DISEASE, INFANTILE, TYPE I; POLYCYSTIC KIDNEY DISEASE 4 WITH OR WITHOUT POLYCYSTIC LIVER DISEASE; PKD3; Autosomal Recessive Polycystic Kidney Disease – PKHD1. Identifiers: MedGen C4540575, MONDO:0033004, OMIM 263200.

Submission:

Myriad Genetics, Inc.
Classification: Likely pathogenic for Polycystic kidney disease 4. Last evaluated: 2022-01-15. Review status: criteria provided, single submitter. Criteria: Myriad Women's Health Autosomal Recessive and X-Linked Classification Criteria (2021). Collection method: clinical testing. Allele origin: unknown.
Comment: NM_138694.3(PKHD1):c.1867A>T(K623*) is expected to be pathogenic in the context of autosomal recessive polycystic kidney disease, PKHD1-related. This variant is predicted to lead to an abnormal or absent protein product due to the creation of a premature termination codon in PKHD1, a gene where loss-of-function variants are known to be pathogenic. Please note: this variant was assessed in the context of healthy population screening.